The following is an entry in ClinVar:

ClinVar aggregate classification (germline): Uncertain significance. Review status: criteria provided, multiple submitters, no conflicts (2 of 4 stars). 3 submissions from 3 submitters: Uncertain significance (3). Last evaluated 2024-08-21.

Conditions:
Familial hemophagocytic lymphohistiocytosis 4 (FHL4). Also called: STX11-Related Familial Hemophagocytic Lymphohistiocytosis (STX11-fHLH). Identifiers: Orphanet 540, MedGen C1863728, MONDO:0011336, OMIM 603552.

Allele frequency attached by ClinVar (database versions not stated): gnomAD 0.00015 and 0.00016; ExAC 0.00016; gnomAD exomes 0.00019; TOPMed 0.00019; ESP Exome Variant Server 0.00038.
gnomAD v4.1: 462 of 1,612,818 alleles (0.029%); highest among the groups gnomAD compares: Non-Finnish European, 0.038%; no homozygotes.

Submissions (3):

Blueprint Genetics
Classification: Uncertain significance. Last evaluated: 2024-08-21. Review status: criteria provided, single submitter. Criteria: ACMG Guidelines, 2015. Collection method: clinical testing. Allele origin: germline.

Labcorp Genetics (formerly Invitae), Labcorp
Classification: Uncertain significance for Familial hemophagocytic lymphohistiocytosis 4. Last evaluated: 2022-09-20. Review status: criteria provided, single submitter. Criteria: Invitae Variant Classification Sherloc (09022015). Collection method: clinical testing. Allele origin: germline.
Comment: This sequence change replaces arginine, which is basic and polar, with leucine, which is neutral and non-polar, at codon 220 of the STX11 protein (p.Arg220Leu). This variant is present in population databases (rs140982644, gnomAD 0.04%). This variant has not been reported in the literature in individuals affected with STX11-related conditions. ClinVar contains an entry for this variant (Variation ID: 647365). Advanced modeling of protein sequence and biophysical properties (such as structural, functional, and spatial information, amino acid conservation, physicochemical variation, residue mobility, and thermodynamic stability) performed at Invitae indicates that this missense variant is expected to disrupt STX11 protein function. In summary, the available evidence is currently insufficient to determine the role of this variant in disease. Therefore, it has been classified as a Variant of Uncertain Significance.

Illumina Laboratory Services, Illumina
Classification: Uncertain significance for Familial hemophagocytic lymphohistiocytosis 4. Last evaluated: 2018-01-13. Review status: criteria provided, single submitter. Criteria: ICSL Variant Classification Criteria 13 December 2019. Collection method: clinical testing. Allele origin: germline.

NM_003764.4(STX11):c.659G>T (p.Arg220Leu)

Gene: STX11 (syntaxin 11; plus strand). Cytogenetic location: 6q24.2.
Variant type: single nucleotide variant.
Coding change: c.659G>T on transcript NM_003764.4 (MANE Select); coding-DNA position 659, G replaced by T.
Protein change: p.Arg220Leu; replaces arginine 220 with leucine.
Molecular consequence: missense variant.
Genome position (GRCh38, 1-based): chr6:144,187,286, G>T. VCF-style: chr6-144187286-G-T. GRCh37 (hg19) VCF-style: chr6-144508423-G-T.
Other names: c.659G>T (LRG_113t1); short protein forms R220L.
Identifiers: ClinVar variation 647365 (VCV000647365.10), dbSNP rs140982644, ClinGen allele CA4031757.